The following is an entry in ClinVar:

ClinVar aggregate classification (germline): Pathogenic (1 of 4 stars; one submission).

Conditions:
Familial adenomatous polyposis 1 (FAP1). Also called: POLYPOSIS, ADENOMATOUS INTESTINAL; FAMILIAL ADENOMATOUS POLYPOSIS 1, ATTENUATED. Identifiers: MedGen C2713442, MONDO:0021056, OMIM 175100. Disease mechanism: loss of function.

Submission:

Labcorp Genetics (formerly Invitae), Labcorp
Classification: Pathogenic for Familial adenomatous polyposis 1. Last evaluated: 2023-09-22. Review status: criteria provided, single submitter. Criteria: Invitae Variant Classification Sherloc (09022015). Collection method: clinical testing. Allele origin: germline.
Comment: This sequence change creates a premature translational stop signal (p.Asp842Valfs*18) in the APC gene. While this is not anticipated to result in nonsense mediated decay, it is expected to disrupt the last 2002 amino acid(s) of the APC protein. This variant is not present in population databases (gnomAD no frequency). This variant has not been reported in the literature in individuals affected with APC-related conditions. For these reasons, this variant has been classified as Pathogenic. This variant is expected to disrupt the EB1 and HDLG binding sites, which mediate interactions with the cytoskeleton (PMID: 15311282, 17293347). While functional studies have not been performed to directly test the effect on APC protein function, this suggests that disruption of the C-terminal portion of the protein is functionally important. A different truncation (p.Tyr2645Lysfs*14) that lies downstream of this variant has been determined to be pathogenic (PMID: 9824584, 1316610, 27081525, 8381579, 22135120, Invitae). This suggests that deletion of this region of the APC protein is causative of disease.

Literature cited by the submitters: PubMed 15311282; PubMed 17293347; PubMed 9824584; PubMed 1316610; PubMed 27081525; PubMed 8381579; PubMed 22135120.

NM_000038.6(APC):c.2525_2528del (p.Asp842fs)

Gene: APC (APC regulator of Wnt signaling pathway; plus strand). Cytogenetic location: 5q22.2.
Variant type: Deletion.
Coding change: c.2525_2528del on transcript NM_000038.6 (MANE Select); coding-DNA positions 2525 to 2528, 4 bases deleted (ATAG; older notation c.2525_2528delATAG).
Protein change: p.Asp842fs; shifts the reading frame from aspartic acid 842.
Molecular consequence: frameshift variant. On other transcripts: non-coding transcript variant (2).
Genome position (GRCh38, 1-based): chr5:112,838,119-112,838,122, ATAG deleted; deleting any 4 consecutive bases within chr5:112,838,116-112,838,122 gives the same sequence; the c. name uses the placement nearest the transcript's 3' end. VCF-style (leftmost placement, unchanged base first): chr5-112838115-TTAGA-T. GRCh37 (hg19) VCF-style: chr5-112173812-TTAGA-T.
Other names: c.2525_2528del, p.Asp842fs (NM_001127510.3, NM_001354895.2, NM_001407450.1); c.2471_2474del, p.Asp824fs (NM_001127511.3); c.2579_2582del, p.Asp860fs (NM_001354896.2, NM_001407447.1, NM_001407448.1 and 1 more transcripts); c.2555_2558del, p.Asp852fs (NM_001354897.2); c.2450_2453del, p.Asp817fs (NM_001354898.2); c.2441_2444del, p.Asp814fs (NM_001354899.2); c.2402_2405del, p.Asp801fs (NM_001354900.2); c.2348_2351del, p.Asp783fs (NM_001354901.2, NM_001407453.1); and 11 more; short protein forms D458fs, D559fs, D824fs, D835fs, D842fs, D870fs, D682fs, D783fs.
Identifiers: ClinVar variation 2762617 (VCV002762617.3), dbSNP rs2533429379, ClinGen allele CA2697546209.
Genomic context (GRCh38, chr5:112,838,115, plus strand): 5'-GTCCTTTCACCATATTTGAATACTACAGTGTTACCCAGCTCCTCTTCATCAAGAGGAAGC[TTAGA>T]TAGTTCTCGTTCTGAAAAAGATAGAAGTTTGGAGAGAGAACGCGGAATTGGTCTAGGCAA-3'